The following is an entry in ClinVar:

ClinVar aggregate classification (germline): Uncertain significance. Review status: criteria provided, multiple submitters, no conflicts (2 of 4 stars). 4 submissions from 4 submitters: Uncertain significance (4). Last evaluated 2026-06-11.

Conditions:
Catecholaminergic polymorphic ventricular tachycardia (CVPT). Also called: Catecholamine-induced polymorphic ventricular tachycardia. Identifiers: Orphanet 3286, MedGen C5574922, MONDO:0017990.
Cardiomyopathy (CMYO). Also called: Cardiomyopathies. Identifiers: Orphanet 167848, MedGen C0878544, MONDO:0004994, HP:0001638. Inheritance: Various modes of inheritance.
Cardiovascular phenotype. Identifiers: MedGen CN230736.
Catecholaminergic polymorphic ventricular tachycardia 1. Also called: VENTRICULAR TACHYCARDIA, STRESS-INDUCED POLYMORPHIC 1; VENTRICULAR TACHYCARDIA, CATECHOLAMINERGIC POLYMORPHIC, 1, WITH OR WITHOUT ATRIAL DYSFUNCTION AND/OR DILATED CARDIOMYOPATHY; RYR2-Related Catecholaminergic Polymorphic Ventricular Tachycardia. Identifiers: Orphanet 3286, MedGen C1631597, MONDO:0011484, OMIM 604772.

Allele frequency attached by ClinVar (database versions not stated): ExAC 0.00002; gnomAD exomes 0.00001.
gnomAD v4.1: 24 of 1,613,320 alleles (0.0015%); highest among the groups gnomAD compares: Non-Finnish European, 0.0019%; no homozygotes.

Submissions (4):

Ambry Genetics
Classification: Uncertain significance for Cardiovascular phenotype. Last evaluated: 2026-06-11. Review status: criteria provided, single submitter. Criteria: Ambry Variant Classification Scheme 2023. Collection method: clinical testing. Allele origin: germline.
Comment: The c.12210G>A variant (also known as p.A4070A), located in coding exon 90 of the RYR2 gene, results from a G to A substitution at nucleotide position 12210. This nucleotide substitution does not change the amino acid at codon 4070. This nucleotide position is poorly conserved in available vertebrate species. In silico splice site analysis predicts that this alteration will result in the creation or strengthening of a novel splice acceptor site. Based on the available evidence, the clinical significance of this variant remains unclear.

Labcorp Genetics (formerly Invitae), Labcorp
Classification: Uncertain significance for Catecholaminergic polymorphic ventricular tachycardia 1. Last evaluated: 2025-08-11. Review status: criteria provided, single submitter. Criteria: Invitae Variant Classification Sherloc (09022015). Collection method: clinical testing. Allele origin: germline.
Comment: This sequence change affects codon 4070 of the RYR2 mRNA. It is a 'silent' change, meaning that it does not change the encoded amino acid sequence of the RYR2 protein. The frequency data for this variant in the population databases is considered unreliable, as metrics indicate poor data quality at this position in the gnomAD database. This variant has not been reported in the literature in individuals affected with RYR2-related conditions. ClinVar contains an entry for this variant (Variation ID: 924329). Algorithms developed to predict the effect of sequence changes on RNA splicing suggest that this variant may create or strengthen a splice site. In summary, the available evidence is currently insufficient to determine the role of this variant in disease. Therefore, it has been classified as a Variant of Uncertain Significance.

All of Us Research Program, National Institutes of Health
Classification: Uncertain significance for Catecholaminergic polymorphic ventricular tachycardia. Last evaluated: 2023-12-01. Review status: criteria provided, single submitter. Criteria: ACMG Guidelines, 2015. Collection method: clinical testing. Allele origin: germline. Inheritance: Autosomal dominant inheritance. Observed: 2 variant alleles, 2 heterozygotes.
Comment: This synonymous variant does not change the amino acid sequence of the RYR2 protein. However, computational splicing tools suggest that this variant may disrupt RNA splicing. To our knowledge, functional studies have not been performed to investigate this prediction. This variant has not been reported in individuals affected with cardiovascular disorders in the literature. This variant has not been identified in the general population by the Genome Aggregation Database (gnomAD). Available evidence is insufficient to determine the role of this variant in disease conclusively. Therefore, this variant is classified as a Variant of Uncertain Significance.

This study involves interpretation of variants in research participants for the purpose of population health screening. Participant phenotype was not available at the time of variant classification. Additional details can be found in publication PMID: 35346344, PMCID: PMC8962531

Color Diagnostics, LLC DBA Color Health
Classification: Uncertain significance for Cardiomyopathy. Last evaluated: 2023-09-15. Review status: criteria provided, single submitter. Criteria: ACMG Guidelines, 2015. Collection method: clinical testing. Allele origin: germline.
Comment: This synonymous variant does not change the amino acid sequence of the RYR2 protein. Splice site prediction tools suggest that this variant may impact RNA splicing. To our knowledge, functional studies have not been reported for this variant. This variant has not been reported in individuals affected with RYR2-related disorders in the literature. This variant has been identified in 3/246756 chromosomes in the general population by the Genome Aggregation Database (gnomAD). The available evidence is insufficient to determine the role of this variant in disease conclusively. Therefore, this variant is classified as a Variant of Uncertain Significance.

NM_001035.3(RYR2):c.12210G>A (p.Ala4070=)

Gene: RYR2 (ryanodine receptor 2; plus strand). Cytogenetic location: 1q43.
Variant type: single nucleotide variant.
Coding change: c.12210G>A on transcript NM_001035.3 (MANE Select); coding-DNA position 12210, G replaced by A.
Protein change: p.Ala4070=; no amino-acid change (alanine 4070 retained).
Molecular consequence: synonymous variant.
Genome position (GRCh38, 1-based): chr1:237,783,922, G>A. VCF-style: chr1-237783922-G-A. GRCh37 (hg19) VCF-style: chr1-237947222-G-A.
Other names: c.12210G>A (NM_001035.2).
Identifiers: ClinVar variation 924329 (VCV000924329.17), dbSNP rs757703714, ClinGen allele CA085148.